The following is an entry in ClinVar:

ClinVar aggregate classification (germline): Uncertain significance (1 of 4 stars; one submission).

gnomAD v4.1: 1 of 1,201,005 alleles (0.000083%); highest among the groups gnomAD compares: African/African-American, 0.0017%; no homozygotes.

Submission:

GeneDx
Classification: Uncertain significance. Last evaluated: 2024-02-08. Review status: criteria provided, single submitter. Criteria: GeneDx Variant Classification Process June 2021. Collection method: clinical testing. Allele origin: germline. Affected: yes.
Comment: Not observed at significant frequency in large population cohorts (gnomAD); In silico analysis supports that this missense variant does not alter protein structure/function; However, In silico analysis supports that this missense variant has a deleterious effect on splicing; Has not been previously published as pathogenic or benign to our knowledge

NM_014927.5(CNKSR2):c.2809C>G (p.Leu937Val)

Gene: CNKSR2 (connector enhancer of kinase suppressor of Ras 2; plus strand). Cytogenetic location: Xp22.12.
Variant type: single nucleotide variant.
Coding change: c.2809C>G on transcript NM_014927.5 (MANE Select); coding-DNA position 2809, C replaced by G.
Protein change: p.Leu937Val; replaces leucine 937 with valine.
Molecular consequence: missense variant.
Genome position (GRCh38, 1-based): chrX:21,648,947, C>G. VCF-style: chrX-21648947-C-G. GRCh37 (hg19) VCF-style: chrX-21667065-C-G.
Other names: c.2719C>G, p.Leu907Val (NM_001168647.3); c.2662C>G, p.Leu888Val (NM_001330770.2); c.2572C>G, p.Leu858Val (NM_001330772.2); short protein forms L858V, L888V, L907V, L937V.
Identifiers: ClinVar variation 3369077 (VCV003369077.1).